The following is an entry in ClinVar:

NM_006904.7(PRKDC):c.4769C>G (p.Thr1590Ser)

Gene: PRKDC (protein kinase, DNA-activated, catalytic subunit; minus strand). Cytogenetic location: 8q11.21.
Variant type: single nucleotide variant.
Coding change: c.4769C>G on transcript NM_006904.7 (MANE Select); coding-DNA position 4769, C replaced by G.
Protein change: p.Thr1590Ser; replaces threonine 1590 with serine.
Molecular consequence: missense variant.
Genome position (GRCh38, 1-based): chr8:47,885,951, G>C on the plus strand (C>G on the coding strand, the complement: PRKDC is on the minus strand). VCF-style: chr8-47885951-G-C. GRCh37 (hg19) VCF-style: chr8-48798512-G-C.
Other names: c.4769C>G, p.Thr1590Ser (NM_001081640.2); short protein forms T1590S.
Identifiers: ClinVar variation 1742939 (VCV001742939.2), dbSNP rs2089318653, ClinGen allele CA371142631.

ClinVar aggregate classification (germline): Uncertain significance (1 of 4 stars; one submission).

Submission:

Ambry Genetics
Classification: Uncertain significance. Last evaluated: 2021-10-03. Review status: criteria provided, single submitter. Criteria: Ambry Variant Classification Scheme 2023. Collection method: clinical testing. Allele origin: germline.
Comment: The p.T1590S variant (also known as c.4769C>G), located in coding exon 36 of the PRKDC gene, results from a C to G substitution at nucleotide position 4769. The threonine at codon 1590 is replaced by serine, an amino acid with similar properties. This amino acid position is conserved. Since supporting evidence is limited at this time, the clinical significance of this alteration remains unclear.